The following continues an entry in ClinVar:

NM_001206744.2(TPO):c.1184_1187dup (p.Ala397fs)

Gene: TPO. ClinVar aggregate classification (germline): Pathogenic. Pathogenic (18).

Submissions 15 to 21 of 21:

Daryl Scott Lab, Baylor College of Medicine
Classification: Pathogenic for Deficiency of iodide peroxidase. Last evaluated: 2022-02-01. Review status: criteria provided, single submitter. Criteria: ACMG Guidelines, 2015. Collection method: clinical testing. Allele origin: maternal. Affected: yes. Observed: 1 variant allele, 1 compound heterozygote.

Centre for Mendelian Genomics, University Medical Centre Ljubljana
Classification: Pathogenic for Deficiency of iodide peroxidase. Last evaluated: 2019-09-17. Review status: criteria provided, single submitter. Criteria: ACMG Guidelines, 2015. Collection method: clinical testing. Allele origin: unknown. Affected: yes.
Comment: This variant was classified as: Pathogenic. The following ACMG criteria were applied in classifying this variant: PVS1,PS1,PM2,PP4.

Illumina Laboratory Services, Illumina
Classification: Pathogenic for Deficiency of iodide peroxidase. Last evaluated: 2017-08-31. Review status: criteria provided, single submitter. Criteria: ICSL Variant Classification Criteria 09 May 2019. Collection method: clinical testing. Allele origin: germline.
Comment: The TPO c.1184_1187dupGCCG (p.Ala397ProfsTer76) variant is a frameshift variant that is predicted to cause premature truncation of the protein. The p.Ala397ProfsTer76 variant has been reported in at least five studies of individuals with congenital hypothyroidism and goiter, and is found in a total of 24 affected individuals from 17 families, including in a homozygous state in 13 individuals, in a compound heterozygous state in four individuals, and in a heterozygous state in seven individuals in whom a second variant was not identified (Abramowicz et al. 1992; Avbelj et al. 2007; Altmann et al. 2013; Cangul et al. 2015; Lof et al. 2016). The variant is also found in a heterozygous state in two unaffected individuals (Avbelj et al. 2007). Three families showed segregation of the variant with the disorder in a manner consistent with autosomal recessive inheritance (Avbelj et al. 2007; Cangul et al. 2015). The p.Ala397ProfsTer76 variant was absent from 50 controls but is reported at a frequency of 0.001576 in the European (Finnish) population of the Genome Aggregation Database. Based on the evidence and potential impact of frameshift variants, the p.Ala397ProfsTer76 variant is classified as pathogenic for congenital hypothyroidism. This variant was observed by ICSL as part of a predisposition screen in an ostensibly healthy population.

Eurofins Ntd Llc (ga)
Classification: Pathogenic. Last evaluated: 2017-05-30. Review status: criteria provided, single submitter. Criteria: EGL Classification Definitions 2015. Collection method: clinical testing. Allele origin: germline. Observed: 1 variant allele, 1 heterozygote.

OMIM
Classification: Pathogenic for THYROID DYSHORMONOGENESIS 2A. Last evaluated: 2000-10-01. Review status: no assertion criteria provided. Collection method: literature only. Allele origin: germline. Not counted in ClinVar's aggregate classification.

Clinical Genetics, Academic Medical Center
Classification: Pathogenic. Review status: no assertion criteria provided. Collection method: clinical testing. Allele origin: germline. Affected: yes. Study: VKGL Data-share Consensus. Not counted in ClinVar's aggregate classification.

Diagnostic Laboratory, Department of Genetics, University Medical Center Groningen
Classification: Pathogenic. Review status: no assertion criteria provided. Collection method: clinical testing. Allele origin: germline. Affected: yes. Study: VKGL Data-share Consensus. Not counted in ClinVar's aggregate classification.

Literature cited by the submitters: PubMed 1401057 (cited by 5 submitters); PubMed 27617131 (cited by 6 submitters); PubMed 30240412 (cited by Women's Health and Genetics/Laboratory Corporation of America, LabCorp and Variantyx, Inc.); PubMed 15745925 (cited by 3 submitters); PubMed 27373558 (cited by Variantyx, Inc.); PubMed 29546359 (cited by Variantyx, Inc. and Labcorp Genetics (formerly Invitae), Labcorp); PubMed 31430255 (cited by Variantyx, Inc.); PubMed 27373559 (cited by 4 submitters); PubMed 11061528 (cited by 3 submitters); PubMed 23236987 (cited by Variantyx, Inc. and Labcorp Genetics (formerly Invitae), Labcorp); PubMed 25564141 (cited by Variantyx, Inc. and Labcorp Genetics (formerly Invitae), Labcorp); PubMed 17468186 (cited by Genetics Department, Catlab and Illumina Laboratory Services, Illumina); PubMed 34248839 (cited by Center for Genomic Medicine, Rigshospitalet, Copenhagen University Hospital); PubMed 21340161 (cited by Center for Genomic Medicine, Rigshospitalet, Copenhagen University Hospital); PubMed 12843174 (cited by Center for Genomic Medicine, Rigshospitalet, Copenhagen University Hospital); PubMed 32765423 (cited by Labcorp Genetics (formerly Invitae), Labcorp); PubMed 36474027 (cited by Daryl Scott Lab, Baylor College of Medicine); PubMed 23512414 (cited by Illumina Laboratory Services, Illumina).